The following is an entry in ClinVar:

NM_003072.5(SMARCA4):c.4250G>A (p.Ser1417Asn)

Gene: SMARCA4 (SWI/SNF related BAF chromatin remodeling complex subunit ATPase 4; plus strand). Cytogenetic location: 19p13.2.
Variant type: single nucleotide variant.
Coding change: c.4250G>A on transcript NM_003072.5 (MANE Select); coding-DNA position 4250, G replaced by A.
Protein change: p.Ser1417Asn; replaces serine 1417 with asparagine.
Molecular consequence: missense variant. On other transcripts: non-coding transcript variant (1).
Genome position (GRCh38, 1-based): chr19:11,041,386, G>A. VCF-style: chr19-11041386-G-A. GRCh37 (hg19) VCF-style: chr19-11152062-G-A.
Other names: c.4250G>A, p.Ser1417Asn (NM_001128844.3); c.4160G>A, p.Ser1387Asn (NM_001128845.2, NM_001128846.2); c.4151G>A, p.Ser1384Asn (NM_001128847.4, NM_001128848.2, NM_001374457.1); c.4346G>A, p.Ser1449Asn (NM_001128849.3, NM_001387283.1); short protein forms S1384N, S1417N, S1387N, S1449N.
Identifiers: ClinVar variation 639353 (VCV000639353.11), dbSNP rs1158882017, ClinGen allele CA404073223.

ClinVar aggregate classification (germline): Uncertain significance. Review status: criteria provided, multiple submitters, no conflicts (2 of 4 stars). 2 submissions from 2 submitters: Uncertain significance (2). Last evaluated 2025-04-30.

Conditions:
Hereditary cancer-predisposing syndrome. Also called: Neoplastic Syndromes, Hereditary; Tumor predisposition; Hereditary Cancer Syndrome; Hereditary neoplastic syndrome. Identifiers: Orphanet 140162, MedGen C0027672, MeSH D009386, MONDO:0015356.
Rhabdoid tumor predisposition syndrome 2 (RTPS2). Identifiers: Orphanet 231108, Orphanet 69077, MedGen C2750074, MONDO:0013224, OMIM 613325.

Allele frequency attached by ClinVar (database versions not stated): TOPMed below 0.00001.

Submissions (2):

Labcorp Genetics (formerly Invitae), Labcorp
Classification: Uncertain significance for Rhabdoid tumor predisposition syndrome 2. Last evaluated: 2025-04-30. Review status: criteria provided, single submitter. Criteria: Invitae Variant Classification Sherloc (09022015). Collection method: clinical testing. Allele origin: germline.
Comment: This sequence change replaces serine, which is neutral and polar, with asparagine, which is neutral and polar, at codon 1449 of the SMARCA4 protein (p.Ser1449Asn). This variant is not present in population databases (gnomAD no frequency). This variant has not been reported in the literature in individuals affected with SMARCA4-related conditions. ClinVar contains an entry for this variant (Variation ID: 639353). Invitae Evidence Modeling of protein sequence and biophysical properties (such as structural, functional, and spatial information, amino acid conservation, physicochemical variation, residue mobility, and thermodynamic stability) has been performed for this missense variant. However, the output from this modeling did not meet the statistical confidence thresholds required to predict the impact of this variant on SMARCA4 protein function. In summary, the available evidence is currently insufficient to determine the role of this variant in disease. Therefore, it has been classified as a Variant of Uncertain Significance.

Ambry Genetics
Classification: Uncertain significance for Hereditary cancer-predisposing syndrome. Last evaluated: 2024-09-05. Review status: criteria provided, single submitter. Criteria: Ambry Variant Classification Scheme 2023. Collection method: clinical testing. Allele origin: germline.
Comment: The p.S1449N variant (also known as c.4346G>A), located in coding exon 30 of the SMARCA4 gene, results from a G to A substitution at nucleotide position 4346. The serine at codon 1449 is replaced by asparagine, an amino acid with highly similar properties. This amino acid position is conserved. In addition, this alteration is predicted to be tolerated by in silico analysis. Based on the available evidence, the clinical significance of this variant remains unclear.